The following is an entry in ClinVar:

ClinVar aggregate classification (germline): Uncertain significance. Review status: criteria provided, multiple submitters, no conflicts (2 of 4 stars). 2 submissions from 2 submitters: Uncertain significance (2). Last evaluated 2025-12-03.

Conditions:
Multiple endocrine neoplasia, type 1 (MEN1). Also called: WERMER SYNDROME; Endocrine adenomatosis multiple; MEN 1; MEA I; MEN I. Identifiers: Orphanet 652, MedGen C0025267, MeSH D018761, MONDO:0007540, OMIM 131100.
Gigantism. Also called: Pituitary gigantism. Identifiers: Orphanet 99725, MedGen C0017547, MONDO:0020479.

Submissions (2):

Labcorp Genetics (formerly Invitae), Labcorp
Classification: Uncertain significance for Multiple endocrine neoplasia, type 1. Last evaluated: 2025-12-03. Review status: criteria provided, single submitter. Criteria: Invitae Variant Classification Sherloc (09022015). Collection method: clinical testing. Allele origin: germline.
Comment: This sequence change replaces histidine, which is basic and polar, with asparagine, which is neutral and polar, at codon 328 of the MEN1 protein (p.His328Asn). This variant is not present in population databases (gnomAD no frequency). This variant has not been reported in the literature in individuals affected with MEN1-related conditions. ClinVar contains an entry for this variant (Variation ID: 570014). Invitae Evidence Modeling of protein sequence and biophysical properties (such as structural, functional, and spatial information, amino acid conservation, physicochemical variation, residue mobility, and thermodynamic stability) indicates that this missense variant is expected to disrupt MEN1 protein function with a positive predictive value of 95%. In summary, the available evidence is currently insufficient to determine the role of this variant in disease. Therefore, it has been classified as a Variant of Uncertain Significance.

Department of Pathology and Laboratory Medicine, Sinai Health System
Classification: Uncertain significance for Multiple endocrine neoplasia, type 1; Gigantism. Last evaluated: 2022-07-13. Review status: criteria provided, single submitter. Criteria: ACMG Guidelines, 2015. Collection method: research. Allele origin: germline.

NM_001370259.2(MEN1):c.982C>A (p.His328Asn)

Gene: MEN1 (menin 1; minus strand). Cytogenetic location: 11q13.1.
Variant type: single nucleotide variant.
Coding change: c.982C>A on transcript NM_001370259.2 (MANE Select); coding-DNA position 982, C replaced by A.
Protein change: p.His328Asn; replaces histidine 328 with asparagine.
Molecular consequence: missense variant.
Genome position (GRCh38, 1-based): chr11:64,806,299, G>T on the plus strand (C>A on the coding strand, the complement: MEN1 is on the minus strand). VCF-style: chr11-64806299-G-T. GRCh37 (hg19) VCF-style: chr11-64573771-G-T.
Other names: c.997C>A, p.His333Asn (NM_000244.4, NM_130800.3, NM_130801.3 and 3 more transcripts); c.982C>A, p.His328Asn (NM_001370251.2, NM_001370260.2, NM_001370261.2 and 1 more transcripts); c.877C>A, p.His293Asn (NM_001370262.2, NM_001370263.2); short protein forms H333N, H328N, H293N.
Identifiers: ClinVar variation 570014 (VCV000570014.9), dbSNP rs794727882, ClinGen allele CA381183314.
Genomic context (GRCh38, chr11:64,806,299, plus strand): 5'-TGACAGTGGCCGTGTCCGCCCAGGCCTGCAGGGCTTCCCGCACATTGCGGTTGCGACAGT[G>T]GTAGCCAGCCAGGTACATGTAGGGGTAGATGTGTTCATCCCGATAGTAGGTCTTGGCTGA-3'
Protein context (NP_001357188.2, residues 318-338): IYPYMYLAGY[His328Asn]CRNRNVREAL